The following is an entry in ClinVar:

NM_001458.5(FLNC):c.5133G>A (p.Pro1711=)

Gene: FLNC (filamin C; plus strand). Cytogenetic location: 7q32.1.
Variant type: single nucleotide variant.
Coding change: c.5133G>A on transcript NM_001458.5 (MANE Select); coding-DNA position 5133, G replaced by A.
Protein change: p.Pro1711=; no amino-acid change (proline 1711 retained).
Molecular consequence: synonymous variant.
Genome position (GRCh38, 1-based): chr7:128,849,512, G>A. VCF-style: chr7-128849512-G-A. GRCh37 (hg19) VCF-style: chr7-128489566-G-A.
Other names: c.5133G>A, p.Pro1711= (NM_001127487.2).
Identifiers: ClinVar variation 749186 (VCV000749186.14), dbSNP rs754646406, ClinGen allele CA4475564.

ClinVar aggregate classification (germline): Conflicting classifications of pathogenicity. Review status: criteria provided, conflicting classifications (1 of 4 stars). 3 submissions from 3 submitters: Uncertain significance (1); Likely benign (2). Last evaluated 2025-01-16.

Conditions:
Cardiovascular phenotype. Identifiers: MedGen CN230736.
Hypertrophic cardiomyopathy 26. Also called: Cardiomyopathy, familial hypertrophic, 26. Identifiers: Orphanet 75249, MedGen C4310749, MONDO:0014883, OMIM 617047.
Myofibrillar myopathy 5. Also called: Filaminopathy (type); FILAMINOPATHY, AUTOSOMAL DOMINANT. Identifiers: Orphanet 171445, MedGen C1836050, MONDO:0012289, OMIM 609524.
Distal myopathy with posterior leg and anterior hand involvement. Also called: WILLIAMS DISTAL MYOPATHY. Identifiers: Orphanet 63273, MedGen C3279722, MONDO:0013550, OMIM 614065.

Allele frequency attached by ClinVar (database versions not stated): gnomAD exomes below 0.00001 and 0.00001; TOPMed below 0.00001; ExAC 0.00002.
gnomAD v4.1: 7 of 1,614,208 alleles (0.00043%); highest among the groups gnomAD compares: South Asian, 0.0033%; no homozygotes.

Submissions (3):

Labcorp Genetics (formerly Invitae), Labcorp
Classification: Likely benign for Distal myopathy with posterior leg and anterior hand involvement; Myofibrillar myopathy 5; Hypertrophic cardiomyopathy 26. Last evaluated: 2025-01-16. Review status: criteria provided, single submitter. Criteria: Invitae Variant Classification Sherloc (09022015). Collection method: clinical testing. Allele origin: germline.

Ambry Genetics
Classification: Uncertain significance for Cardiovascular phenotype. Last evaluated: 2024-03-23. Review status: criteria provided, single submitter. Criteria: Ambry Variant Classification Scheme 2023. Collection method: clinical testing. Allele origin: germline.
Comment: The c.5133G>A variant (also known as p.P1711P), located in coding exon 30 of the FLNC gene, results from a G to A substitution at nucleotide position 5133. This nucleotide substitution does not change the proline at codon 1711. This nucleotide position is not well conserved in available vertebrate species. In silico splice site analysis for this alteration is inconclusive. Based on the available evidence, the clinical significance of this alteration remains unclear.

GeneDx
Classification: Likely benign. Last evaluated: 2019-03-20. Review status: criteria provided, single submitter. Criteria: GeneDx Variant Classification Process June 2021. Collection method: clinical testing. Allele origin: germline. Affected: yes.